The following is an entry in ClinVar:

NM_000395.3(CSF2RB):c.494C>T (p.Ser165Phe)

Gene: CSF2RB (colony stimulating factor 2 receptor subunit beta; plus strand). Cytogenetic location: 22q12.3.
Variant type: single nucleotide variant.
Coding change: c.494C>T on transcript NM_000395.3 (MANE Select); coding-DNA position 494, C replaced by T.
Protein change: p.Ser165Phe; replaces serine 165 with phenylalanine.
Molecular consequence: missense variant.
Genome position (GRCh38, 1-based): chr22:36,929,504, C>T. VCF-style: chr22-36929504-C-T. GRCh37 (hg19) VCF-style: chr22-37325546-C-T.
Other names: c.494C>T, p.Ser165Phe (NM_001410827.1); short protein forms S165F.
Identifiers: ClinVar variation 1993318 (VCV001993318.4), dbSNP rs1217163540, ClinGen allele CA411405853.
Genomic context (GRCh38, chr22:36,929,504, plus strand): 5'-AGGACCACTTCCTGCTGACCTGGAGTGTGGCCCTTGGGAGTCCCCAGAGCCACTGGTTGT[C>T]CCCAGGGGATCTGGAGTTTGAGGTGGTCTACAAGCGGCTTCAGGACTCTTGGGAGGTAGG-3'
Protein context (NP_000386.1, residues 155-175): ALGSPQSHWL[Ser165Phe]PGDLEFEVVY

ClinVar aggregate classification (germline): Uncertain significance (1 of 4 stars; one submission).

Submission:

Labcorp Genetics (formerly Invitae), Labcorp
Classification: Uncertain significance. Last evaluated: 2022-05-12. Review status: criteria provided, single submitter. Criteria: Invitae Variant Classification Sherloc (09022015). Collection method: clinical testing. Allele origin: germline.
Comment: In summary, the available evidence is currently insufficient to determine the role of this variant in disease. Therefore, it has been classified as a Variant of Uncertain Significance. This sequence change replaces serine, which is neutral and polar, with phenylalanine, which is neutral and non-polar, at codon 165 of the CSF2RB protein (p.Ser165Phe). This variant is not present in population databases (gnomAD no frequency). This variant has not been reported in the literature in individuals affected with CSF2RB-related conditions. Algorithms developed to predict the effect of missense changes on protein structure and function are either unavailable or do not agree on the potential impact of this missense change (SIFT: "Deleterious"; PolyPhen-2: "Benign"; Align-GVGD: "Class C0").